The following is an entry in ClinVar:

NM_001144967.3(NEDD4L):c.49-16246C>T

Gene: NEDD4L (NEDD4 like E3 ubiquitin protein ligase; plus strand). Cytogenetic location: 18q21.31.
Variant type: single nucleotide variant.
Coding change: c.49-16246C>T on transcript NM_001144967.3 (MANE Select); 16246 bases into the intron before coding-DNA position 49, C replaced by T.
Molecular consequence: intron variant. On other transcripts: 5 prime UTR variant (2), missense variant (2).
Genome position (GRCh38, 1-based): chr18:58,149,542, C>T. VCF-style: chr18-58149542-C-T. GRCh37 (hg19) VCF-style: chr18-55816774-C-T.
Other names: c.-343C>T (NM_001144965.2); c.7C>T, p.Arg3Cys (NM_001144968.2, NM_001144969.2); c.-421C>T (NM_001144971.2); c.49-16246C>T (NM_015277.6, NM_001243960.2); c.-315-16246C>T (NM_001144964.1); short protein forms R3C.
Identifiers: ClinVar variation 4980194 (VCV004980194.1).
Genomic context (GRCh38, chr18:58,149,542, plus strand): 5'-GAGTTTTCCAGCTTTCCTTTAATGCACTAAACCTTTAATATTGTATTCTCCTAAATGAGA[C>T]GTCTCGCATTTGAGCAGGTAACACTCGGTAAGACTTTGCTTGGTGGGGGAGGAGGTTTTA-3'

ClinVar aggregate classification (germline): Likely benign (1 of 4 stars; one submission).

Conditions:
NEDD4L-related disorder. Also called: NEDD4L-related condition.

gnomAD v4.1: 146 of 1,550,396 alleles (0.0094%); highest among the groups gnomAD compares: Middle Eastern, 0.067%; no homozygotes.

Submission:

PreventionGenetics, part of Exact Sciences
Classification: Likely benign for NEDD4L-related condition. Last evaluated: 2024-11-07. Review status: criteria provided, single submitter. Criteria: ACMG Guidelines, 2015. Collection method: clinical testing. Allele origin: germline.
Comment: This variant is classified as likely benign based on ACMG/AMP sequence variant interpretation guidelines (Richards et al. 2015 PMID: 25741868, with internal and published modifications).